The following is an entry in ClinVar:

ClinVar aggregate classification (germline): Uncertain significance (1 of 4 stars; one submission).

Conditions:
Inborn genetic diseases. Identifiers: MedGen C0950123, MeSH D030342.

Submission:

Ambry Genetics
Classification: Uncertain significance for Inborn genetic diseases. Last evaluated: 2025-05-03. Review status: criteria provided, single submitter. Criteria: Ambry Variant Classification Scheme 2023. Collection method: clinical testing. Allele origin: germline.
Comment: The p.L278V variant (also known as c.832T>G), located in coding exon 8 of the ANKRD26 gene, results from a T to G substitution at nucleotide position 832. The leucine at codon 278 is replaced by valine, an amino acid with highly similar properties. This amino acid position is conserved. In addition, this alteration is predicted to be tolerated by in silico analysis. Based on the available evidence, the clinical significance of this variant remains unclear.

NM_014915.3(ANKRD26):c.832T>G (p.Leu278Val)

Gene: ANKRD26 (ankyrin repeat domain containing 26; minus strand). Cytogenetic location: 10p12.1.
Variant type: single nucleotide variant.
Coding change: c.832T>G on transcript NM_014915.3 (MANE Select); coding-DNA position 832, T replaced by G.
Protein change: p.Leu278Val; replaces leucine 278 with valine.
Molecular consequence: missense variant.
Genome position (GRCh38, 1-based): chr10:27,077,675, A>C on the plus strand (T>G on the coding strand, the complement: ANKRD26 is on the minus strand). VCF-style: chr10-27077675-A-C. GRCh37 (hg19) VCF-style: chr10-27366604-A-C.
Other names: c.832T>G, p.Leu278Val (NM_001256053.2); short protein forms L278V.
Identifiers: ClinVar variation 3914156 (VCV003914156.1).
Genomic context (GRCh38, chr10:27,077,675, plus strand): 5'-AGTTTTCAAACAGCTTACAATTTTTCCTGGATTGCTGAGAAGCAGTCATTAGCTTTGCTA[A>C]GCTTGGTTTTGGGACATTCTAGAAAACAAAAATAAGAATAACAAGTTTTAAAAAAACAAG-3'
Protein context (NP_055730.2, residues 268-288): FDTKNVPKPS[Leu278Val]AKLMTASQQS